The following is an entry in ClinVar:

ClinVar aggregate classification (germline): Uncertain significance (1 of 4 stars; one submission).

Conditions:
SPTLC1-related disorder. Also called: SPTLC1-related condition.

Submission:

PreventionGenetics, part of Exact Sciences
Classification: Uncertain significance for SPTLC1-related condition. Last evaluated: 2025-09-30. Review status: criteria provided, single submitter. Criteria: ACMG Guidelines, 2015. Collection method: clinical testing. Allele origin: germline.
Comment: The SPTLC1 c.439G>T variant is predicted to result in the amino acid substitution p.Asp147Tyr. To our knowledge, this variant has not been reported in the literature or in a large population database (gnomAD), indicating this variant is rare. At this time, the clinical significance of this variant is uncertain due to the absence of conclusive functional and genetic evidence.

NM_006415.4(SPTLC1):c.439G>T (p.Asp147Tyr)

Gene: SPTLC1 (serine palmitoyltransferase long chain base subunit 1; minus strand). Cytogenetic location: 9q22.31.
Variant type: single nucleotide variant.
Coding change: c.439G>T on transcript NM_006415.4 (MANE Select); coding-DNA position 439, G replaced by T.
Protein change: p.Asp147Tyr; replaces aspartic acid 147 with tyrosine.
Molecular consequence: missense variant. On other transcripts: 5 prime UTR variant (1).
Genome position (GRCh38, 1-based): chr9:92,068,087, C>A on the plus strand (G>T on the coding strand, the complement: SPTLC1 is on the minus strand). VCF-style: chr9-92068087-C-A. GRCh37 (hg19) VCF-style: chr9-94830369-C-A.
Other names: c.439G>T, p.Asp147Tyr (NM_001281303.2); c.73G>T, p.Asp25Tyr (NM_001368272.1); c.-27G>T (NM_001368273.1); short protein forms D25Y, D147Y.
Identifiers: ClinVar variation 4991677 (VCV004991677.1).
Genomic context (GRCh38, chr9:92,068,087, plus strand): 5'-CATATGAGTATATAATGGCTTCTTCTGTCTTCATAAATTTTGCCAGGCGGTCTTCCAAAT[C>A]CAAATGAACATCTATTTCAGTTAAAAAAGTTAAATGGTTAAACTGCCTTATAATTCTTTT-3'
Protein context (NP_006406.1, residues 137-157): GFYGTFDVHL[Asp147Tyr]LEDRLAKFMK